The following is an entry in ClinVar:

ClinVar aggregate classification (germline): Uncertain significance (1 of 4 stars; one submission).

Conditions:
Creatine transporter deficiency (CCDS1). Also called: Mental retardation , X-linked with seizures, short stature and midface hypoplasia; Mental retardation , X-linked, with creatine transport deficiency; X-linked creatine transporter deficiency; X-linked creatine deficiency syndrome; SLC6A8-Related Creatine Transporter Deficiency; CREATINE TRANSPORTER DEFECT. Identifiers: Orphanet 52503, MedGen C1845862, MONDO:0010305, OMIM 300352.

Submission:

Institute of Human Genetics, Clinical Exome/Genome Diagnostics Group, University Hospital Bonn
Classification: Uncertain significance for Creatine transporter deficiency. Last evaluated: 2021-08-19. Review status: criteria provided, single submitter. Criteria: ACMG Guidelines, 2015. Collection method: clinical testing. Allele origin: germline. Affected: yes.
Comment: PS2_moderate, PM2, PP3

NM_005629.4(SLC6A8):c.305G>A (p.Gly102Glu)

Gene: SLC6A8 (solute carrier family 6 member 8; plus strand). Cytogenetic location: Xq28.
Variant type: single nucleotide variant.
Coding change: c.305G>A on transcript NM_005629.4 (MANE Select); coding-DNA position 305, G replaced by A.
Protein change: p.Gly102Glu; replaces glycine 102 with glutamic acid.
Molecular consequence: missense variant. On other transcripts: 5 prime UTR variant (1).
Genome position (GRCh38, 1-based): chrX:153,690,417, G>A. VCF-style: chrX-153690417-G-A. GRCh37 (hg19) VCF-style: chrX-152955872-G-A.
Other names: c.305G>A, p.Gly102Glu (NM_001142805.2); c.-41G>A (NM_001142806.1); short protein forms G102E.
Identifiers: ClinVar variation 1343276 (VCV001343276.1), dbSNP rs2148360123, ClinGen allele CA415077507.
Genomic context (GRCh38, chrX:153,690,417, plus strand): 5'-CTGTGCCTCCACCCCCAGGTGTGTTCCTTATTCCCTACGTCCTGATCGCCCTGGTTGGAG[G>A]AATCCCCATTTTCTTCTTAGAGATCTCGCTGGGCCAGTTCATGAAGGCCGGCAGCATCAA-3'
Protein context (NP_005620.1, residues 92-112): IPYVLIALVG[Gly102Glu]IPIFFLEISL